The following is an entry in ClinVar:

ClinVar aggregate classification (germline): Conflicting classifications of pathogenicity. Review status: criteria provided, conflicting classifications (1 of 4 stars). 2 submissions from 2 submitters: Uncertain significance (1); Likely benign (1). Last evaluated 2026-05-23.

Conditions:
Inborn genetic diseases. Identifiers: MedGen C0950123, MeSH D030342.

Allele frequency attached by ClinVar (database versions not stated): gnomAD 0.00001.
gnomAD v4.1: 1 of 1,572,328 alleles (0.000064%); highest among the groups gnomAD compares: Non-Finnish European, 0.000086%; no homozygotes.

Submissions (2):

Ambry Genetics
Classification: Uncertain significance for Inborn genetic diseases. Last evaluated: 2026-05-23. Review status: criteria provided, single submitter. Criteria: Ambry Variant Classification Scheme 2023. Collection method: clinical testing. Allele origin: germline.
Comment: The c.81C>G (p.I27M) alteration is located in exon 1 (coding exon 1) of the PPM1D gene. This alteration results from a C to G substitution at nucleotide position 81, causing the isoleucine (I) at amino acid position 27 to be replaced by a methionine (M). Based on data from gnomAD, the G allele has an overall frequency of 0.001% (1/178318) total alleles studied. The highest observed frequency was 0.001% (1/73680) of European (non-Finnish) alleles. Based on insufficient or conflicting evidence, the clinical significance of this alteration remains unclear.

Labcorp Genetics (formerly Invitae), Labcorp
Classification: Likely benign. Last evaluated: 2025-06-12. Review status: criteria provided, single submitter. Criteria: Invitae Variant Classification Sherloc (09022015). Collection method: clinical testing. Allele origin: germline.

NM_003620.4(PPM1D):c.81C>G (p.Ile27Met)

Gene: PPM1D (protein phosphatase, Mg2+/Mn2+ dependent 1D; plus strand). Cytogenetic location: 17q23.2.
Variant type: single nucleotide variant.
Coding change: c.81C>G on transcript NM_003620.4 (MANE Select); coding-DNA position 81, C replaced by G.
Protein change: p.Ile27Met; replaces isoleucine 27 with methionine.
Molecular consequence: missense variant.
Genome position (GRCh38, 1-based): chr17:60,600,495, C>G. VCF-style: chr17-60600495-C-G. GRCh37 (hg19) VCF-style: chr17-58677856-C-G.
Other names: short protein forms I27M.
Identifiers: ClinVar variation 2699565 (VCV002699565.4), dbSNP rs974206177, ClinGen allele CA292225221.
Genomic context (GRCh38, chr17:60,600,495, plus strand): 5'-GGGAGTGAGCGTCTTCTCCGACCAGGGCGGGAGGAAGTACATGGAGGACGTTACTCAAAT[C>G]GTTGTGGAGCCCGAACCGACGGCTGAAGAAAAGCCCTCGCCGCGGCGGTCGCTGTCTCAG-3'
Protein context (NP_003611.1, residues 17-37): GRKYMEDVTQ[Ile27Met]VVEPEPTAEE